The following is an entry in ClinVar:

ClinVar aggregate classification (germline): Uncertain significance (1 of 4 stars; one submission).

Conditions:
Candidiasis, familial, 9 (CANDF9). Identifiers: Orphanet 1334, MedGen C4225324, MONDO:0014642, OMIM 616445.

gnomAD v4.1: 2 of 1,561,180 alleles (0.00013%); highest among the groups gnomAD compares: Non-Finnish European, 0.000086%; no homozygotes.

Submission:

Labcorp Genetics (formerly Invitae), Labcorp
Classification: Uncertain significance for Candidiasis, familial, 9. Last evaluated: 2025-11-22. Review status: criteria provided, single submitter. Criteria: Invitae Variant Classification Sherloc (09022015). Collection method: clinical testing. Allele origin: germline.
Comment: This sequence change replaces leucine, which is neutral and non-polar, with phenylalanine, which is neutral and non-polar, at codon 570 of the IL17RC protein (p.Leu570Phe). This variant is not present in population databases (gnomAD no frequency). This variant has not been reported in the literature in individuals affected with IL17RC-related conditions. An algorithm developed to predict the effect of missense changes on protein structure and function outputs the following: PolyPhen-2: "Benign". The phenylalanine amino acid residue is found in multiple mammalian species, which suggests that this missense change does not adversely affect protein function. In summary, the available evidence is currently insufficient to determine the role of this variant in disease. Therefore, it has been classified as a Variant of Uncertain Significance.

NM_153460.4(IL17RC):c.1495C>T (p.Leu499Phe)

Genes: IL17RC (interleukin 17 receptor C; plus strand), LOC129936143 (ATAC-STARR-seq lymphoblastoid silent region 14050; plus strand). Cytogenetic location: 3p25.3.
Variant type: single nucleotide variant.
Coding change: c.1495C>T on transcript NM_153460.4 (MANE Select); coding-DNA position 1495, C replaced by T.
Protein change: p.Leu499Phe; replaces leucine 499 with phenylalanine.
Molecular consequence: missense variant. On other transcripts: non-coding transcript variant (1), intron variant (6).
Genome position (GRCh38, 1-based): chr3:9,932,831, C>T. VCF-style: chr3-9932831-C-T. GRCh37 (hg19) VCF-style: chr3-9974515-C-T.
Other names: c.1399C>T, p.Leu467Phe (NM_001203265.2); c.1450C>T, p.Leu484Phe (NM_032732.6); c.1708C>T, p.Leu570Phe (NM_153461.4); c.1484-122C>T (NM_001203263.2); c.1433-122C>T (NM_001203264.2); c.1445-122C>T (NM_001367278.1); c.1439-122C>T (NM_001367280.1); c.1388-122C>T (NM_001410711.1); and 1 more; short protein forms L499F, L467F, L484F, L570F.
Identifiers: ClinVar variation 4750243 (VCV004750243.1).